The following is an entry in ClinVar:

ClinVar aggregate classification (germline): Uncertain significance (1 of 4 stars; one submission).

Conditions:
Inborn genetic diseases. Identifiers: MedGen C0950123, MeSH D030342.

Submission:

Ambry Genetics
Classification: Uncertain significance for Inborn genetic diseases. Last evaluated: 2025-04-19. Review status: criteria provided, single submitter. Criteria: Ambry Variant Classification Scheme 2023. Collection method: clinical testing. Allele origin: germline.
Comment: The p.Q789R variant (also known as c.2366A>G), located in coding exon 1 of the SAMD9 gene, results from an A to G substitution at nucleotide position 2366. The glutamine at codon 789 is replaced by arginine, an amino acid with highly similar properties. This amino acid position is conserved. In addition, this alteration is predicted to be tolerated by in silico analysis. Based on the available evidence, the clinical significance of this variant remains unclear.

NM_017654.4(SAMD9):c.2366A>G (p.Gln789Arg)

Gene: SAMD9 (sterile alpha motif domain containing 9; minus strand). Cytogenetic location: 7q21.2.
Variant type: single nucleotide variant.
Coding change: c.2366A>G on transcript NM_017654.4 (MANE Select); coding-DNA position 2366, A replaced by G.
Protein change: p.Gln789Arg; replaces glutamine 789 with arginine.
Molecular consequence: missense variant.
Genome position (GRCh38, 1-based): chr7:93,103,732, T>C on the plus strand (A>G on the coding strand, the complement: SAMD9 is on the minus strand). VCF-style: chr7-93103732-T-C. GRCh37 (hg19) VCF-style: chr7-92733045-T-C.
Other names: c.2366A>G, p.Gln789Arg (NM_001193307.2); short protein forms Q789R.
Identifiers: ClinVar variation 3949571 (VCV003949571.1).